The following is an entry in ClinVar:

NM_198253.3(TERT):c.1834G>A (p.Ala612Thr)

Gene: TERT (telomerase reverse transcriptase; minus strand). Cytogenetic location: 5p15.33.
Variant type: single nucleotide variant.
Coding change: c.1834G>A on transcript NM_198253.3 (MANE Select); coding-DNA position 1834, G replaced by A.
Protein change: p.Ala612Thr; replaces alanine 612 with threonine.
Molecular consequence: missense variant. On other transcripts: non-coding transcript variant (2).
Genome position (GRCh38, 1-based): chr5:1,280,274, C>T on the plus strand (G>A on the coding strand, the complement: TERT is on the minus strand). VCF-style: chr5-1280274-C-T. GRCh37 (hg19) VCF-style: chr5-1280389-C-T.
Other names: c.1834G>A (NM_198253.2); c.1834G>A, p.Ala612Thr (NM_001193376.3); short protein forms A612T.
Identifiers: ClinVar variation 1037214 (VCV001037214.12), dbSNP rs1749932051, ClinGen allele CA359081844.

ClinVar aggregate classification (germline): Conflicting classifications of pathogenicity. Review status: criteria provided, conflicting classifications (1 of 4 stars). 2 submissions from 2 submitters: Uncertain significance (1); Likely benign (1). Last evaluated 2025-09-25.

Conditions:
Idiopathic Pulmonary Fibrosis. Also called: Idiopathic fibrosing alveolitis, chronic form; idiopathic fibrosing alveolitis. Identifiers: Orphanet 2032, MedGen C1800706, MeSH D054990, MONDO:0800504.
Dyskeratosis congenita, autosomal dominant 2. Identifiers: MedGen C3151443, MONDO:0013521, OMIM 613989.
Dyskeratosis congenita. Identifiers: Orphanet 1775, MedGen C0265965, MONDO:0015780.

Allele frequency attached by ClinVar (database versions not stated): gnomAD exomes below 0.00001; TOPMed 0.00001.
gnomAD v4.1: 4 of 1,613,748 alleles (0.00025%); highest among the groups gnomAD compares: African/African-American, 0.0013%; no homozygotes.

Submissions (2):

Ambry Genetics
Classification: Likely benign for Dyskeratosis congenita. Last evaluated: 2025-09-25. Review status: criteria provided, single submitter. Criteria: Ambry Variant Classification Scheme 2023. Collection method: clinical testing. Allele origin: germline.

Labcorp Genetics (formerly Invitae), Labcorp
Classification: Uncertain significance for Dyskeratosis congenita, autosomal dominant 2; Idiopathic Pulmonary Fibrosis. Last evaluated: 2023-07-10. Review status: criteria provided, single submitter. Criteria: Invitae Variant Classification Sherloc (09022015). Collection method: clinical testing. Allele origin: germline.
Comment: In summary, the available evidence is currently insufficient to determine the role of this variant in disease. Therefore, it has been classified as a Variant of Uncertain Significance. Algorithms developed to predict the effect of missense changes on protein structure and function output the following: SIFT: "Not Available"; PolyPhen-2: "Benign"; Align-GVGD: "Not Available". The threonine amino acid residue is found in multiple mammalian species, which suggests that this missense change does not adversely affect protein function. ClinVar contains an entry for this variant (Variation ID: 1037214). This variant has not been reported in the literature in individuals affected with TERT-related conditions. This variant is not present in population databases (gnomAD no frequency). This sequence change replaces alanine, which is neutral and non-polar, with threonine, which is neutral and polar, at codon 612 of the TERT protein (p.Ala612Thr).